The following is an entry in ClinVar:

ClinVar aggregate classification (germline): Uncertain significance. Review status: criteria provided, multiple submitters, no conflicts (2 of 4 stars). 2 submissions from 2 submitters: Uncertain significance (2). Last evaluated 2024-12-22.

Conditions:
Multiple endocrine neoplasia, type 2 (MEN2). Identifiers: Orphanet 653, MedGen C4048306, MONDO:0019003. Disease mechanism: gain of function.
Hereditary cancer-predisposing syndrome. Also called: Tumor predisposition; Hereditary Cancer Syndrome; Neoplastic Syndromes, Hereditary; Hereditary neoplastic syndrome. Identifiers: Orphanet 140162, MedGen C0027672, MeSH D009386, MONDO:0015356.

Submissions (2):

Labcorp Genetics (formerly Invitae), Labcorp
Classification: Uncertain significance for Multiple endocrine neoplasia, type 2. Last evaluated: 2024-12-22. Review status: criteria provided, single submitter. Criteria: Invitae Variant Classification Sherloc (09022015). Collection method: clinical testing. Allele origin: germline.
Comment: This sequence change replaces leucine, which is neutral and non-polar, with valine, which is neutral and non-polar, at codon 318 of the RET protein (p.Leu318Val). This variant is not present in population databases (gnomAD no frequency). This variant has not been reported in the literature in individuals affected with RET-related conditions. ClinVar contains an entry for this variant (Variation ID: 823318). An algorithm developed to predict the effect of missense changes on protein structure and function (PolyPhen-2) suggests that this variant is likely to be tolerated. In summary, the available evidence is currently insufficient to determine the role of this variant in disease. Therefore, it has been classified as a Variant of Uncertain Significance.

Ambry Genetics
Classification: Uncertain significance for Hereditary cancer-predisposing syndrome. Last evaluated: 2019-05-14. Review status: criteria provided, single submitter. Criteria: Ambry Variant Classification Scheme 2023. Collection method: clinical testing. Allele origin: germline.
Comment: The p.L318V variant (also known as c.952C>G), located in coding exon 5 of the RET gene, results from a C to G substitution at nucleotide position 952. The leucine at codon 318 is replaced by valine, an amino acid with highly similar properties. This amino acid position is well conserved in available vertebrate species. In addition, this alteration is predicted to be tolerated by in silico analysis. Since supporting evidence is limited at this time, the clinical significance of this alteration remains unclear.

NM_020975.6(RET):c.952C>G (p.Leu318Val)

Gene: RET (ret proto-oncogene; plus strand). Cytogenetic location: 10q11.21.
Variant type: single nucleotide variant.
Coding change: c.952C>G on transcript NM_020975.6 (MANE Select); coding-DNA position 952, C replaced by G.
Protein change: p.Leu318Val; replaces leucine 318 with valine.
Molecular consequence: missense variant.
Genome position (GRCh38, 1-based): chr10:43,106,460, C>G. VCF-style: chr10-43106460-C-G. GRCh37 (hg19) VCF-style: chr10-43601908-C-G.
Other names: c.952C>G, p.Leu318Val (NM_000323.2, NM_001406743.1, NM_001406744.1 and 6 more transcripts); c.190C>G, p.Leu64Val (NM_001355216.2); c.823C>G, p.Leu275Val (NM_001406761.1, NM_001406762.1, NM_001406764.1 and 1 more transcripts); c.664C>G, p.Leu222Val (NM_001406766.1, NM_001406767.1, NM_001406770.1); short protein forms L318V, L64V, L222V, L275V.
Identifiers: ClinVar variation 823318 (VCV000823318.8), dbSNP rs1235573033, ClinGen allele CA376546075.
Genomic context (GRCh38, chr10:43,106,460, plus strand): 5'-GTCTTCGATGCAGACGTGGTACCTGCATCAGGGGAGCTGGTGAGGCGGTACACAAGCACG[C>G]TGCTCCCCGGGGACACCTGGGCCCAGCAGACCTTCCGGGTGGAACACTGGCCCAACGAGA-3'
Protein context (NP_066124.1, residues 308-328): GELVRRYTST[Leu318Val]LPGDTWAQQT